The following is an entry in ClinVar:

NM_000222.3(KIT):c.655G>A (p.Ala219Thr)

Gene: KIT (KIT proto-oncogene, receptor tyrosine kinase; plus strand). Cytogenetic location: 4q12.
Variant type: single nucleotide variant.
Coding change: c.655G>A on transcript NM_000222.3 (MANE Select); coding-DNA position 655, G replaced by A.
Protein change: p.Ala219Thr; replaces alanine 219 with threonine.
Molecular consequence: missense variant.
Genome position (GRCh38, 1-based): chr4:54,699,665, G>A. VCF-style: chr4-54699665-G-A. GRCh37 (hg19) VCF-style: chr4-55565831-G-A.
Other names: c.655G>A, p.Ala219Thr (NM_001093772.2, NM_001385284.1, NM_001385285.1 and 4 more transcripts); c.655G>A (NM_000222.2); short protein forms A219T.
Identifiers: ClinVar variation 1431195 (VCV001431195.7), dbSNP rs141679490, ClinGen allele CA356898214.

ClinVar aggregate classification (germline): Conflicting classifications of pathogenicity. Review status: criteria provided, conflicting classifications (1 of 4 stars). 2 submissions from 2 submitters: Uncertain significance (1); Likely benign (1). Last evaluated 2024-12-14.

Conditions:
Hereditary cancer-predisposing syndrome. Also called: Tumor predisposition; Hereditary Cancer Syndrome; Hereditary neoplastic syndrome; Neoplastic Syndromes, Hereditary. Identifiers: Orphanet 140162, MedGen C0027672, MeSH D009386, MONDO:0015356.
Gastrointestinal stromal tumor. Also called: Gastrointestinal stroma tumor; Gastrointestinal stromal tumor, somatic. Identifiers: Orphanet 44890, MedGen C0238198, MeSH D046152, MONDO:0011719, OMIM 606764, HP:0100723.

Submissions (2):

Ambry Genetics
Classification: Likely benign for Hereditary cancer-predisposing syndrome. Last evaluated: 2024-12-14. Review status: criteria provided, single submitter. Criteria: Ambry Variant Classification Scheme 2023. Collection method: clinical testing. Allele origin: germline.

Labcorp Genetics (formerly Invitae), Labcorp
Classification: Uncertain significance for Gastrointestinal stromal tumor. Last evaluated: 2021-09-08. Review status: criteria provided, single submitter. Criteria: Invitae Variant Classification Sherloc (09022015). Collection method: clinical testing. Allele origin: germline.
Comment: In summary, the available evidence is currently insufficient to determine the role of this variant in disease. Therefore, it has been classified as a Variant of Uncertain Significance. Algorithms developed to predict the effect of missense changes on protein structure and function output the following: SIFT: "Tolerated"; PolyPhen-2: "Benign"; Align-GVGD: "Class C0". The threonine amino acid residue is found in multiple mammalian species, which suggests that this missense change does not adversely affect protein function. This variant has not been reported in the literature in individuals affected with KIT-related conditions. This variant is not present in population databases (ExAC no frequency). This sequence change replaces alanine with threonine at codon 219 of the KIT protein (p.Ala219Thr). The alanine residue is weakly conserved and there is a small physicochemical difference between alanine and threonine.